The following is an entry in ClinVar:

ClinVar aggregate classification (germline): Uncertain significance. Review status: criteria provided, multiple submitters, no conflicts (2 of 4 stars). 2 submissions from 2 submitters: Uncertain significance (2). Last evaluated 2025-04-28.

Conditions:
Primary ciliary dyskinesia. Also called: Ciliary dyskinesia. Identifiers: Orphanet 244, MedGen C0008780, MONDO:0016575, HP:0012265.
Spermatogenic failure 18. Identifiers: MedGen C4539783, MONDO:0054615, OMIM 617576.
Ciliary dyskinesia, primary, 37 (CILD37). Also called: CILIARY DYSKINESIA, PRIMARY, 37, WITH OR WITHOUT SITUS INVERSUS. Identifiers: MedGen C4539798, MONDO:0033204, OMIM 617577.

Allele frequency attached by ClinVar (database versions not stated): gnomAD 0.00001; TOPMed 0.00003.
gnomAD v4.1: 12 of 1,612,814 alleles (0.00074%); highest among the groups gnomAD compares: African/African-American, 0.0013%; no homozygotes.

Submissions (2):

Labcorp Genetics (formerly Invitae), Labcorp
Classification: Uncertain significance for Ciliary dyskinesia, primary, 37; Spermatogenic failure 18. Last evaluated: 2025-04-28. Review status: criteria provided, single submitter. Criteria: Invitae Variant Classification Sherloc (09022015). Collection method: clinical testing. Allele origin: germline.
Comment: This sequence change replaces arginine, which is basic and polar, with glutamine, which is neutral and polar, at codon 868 of the DNAH1 protein (p.Arg868Gln). This variant is present in population databases (no rsID available, gnomAD 0.007%). This variant has not been reported in the literature in individuals affected with DNAH1-related conditions. ClinVar contains an entry for this variant (Variation ID: 2936281). Invitae Evidence Modeling of protein sequence and biophysical properties (such as structural, functional, and spatial information, amino acid conservation, physicochemical variation, residue mobility, and thermodynamic stability) indicates that this missense variant is not expected to disrupt DNAH1 protein function with a negative predictive value of 80%. In summary, the available evidence is currently insufficient to determine the role of this variant in disease. Therefore, it has been classified as a Variant of Uncertain Significance.

Molecular Genetics McLendon Clinical Laboratories, University of North Carolina at Chapel Hill
Classification: Uncertain significance for Primary ciliary dyskinesia. Last evaluated: 2023-09-26. Review status: criteria provided, single submitter. Criteria: ACMG Guidelines, 2015. Collection method: clinical testing. Allele origin: germline.

NM_015512.5(DNAH1):c.2603G>A (p.Arg868Gln)

Gene: DNAH1 (dynein axonemal heavy chain 1; plus strand). Cytogenetic location: 3p21.1.
Variant type: single nucleotide variant.
Coding change: c.2603G>A on transcript NM_015512.5 (MANE Select); coding-DNA position 2603, G replaced by A.
Protein change: p.Arg868Gln; replaces arginine 868 with glutamine.
Molecular consequence: missense variant.
Genome position (GRCh38, 1-based): chr3:52,350,065, G>A. VCF-style: chr3-52350065-G-A. GRCh37 (hg19) VCF-style: chr3-52384081-G-A.
Other names: c.2603G>A (NM_015512.4); short protein forms R868Q.
Identifiers: ClinVar variation 2936281 (VCV002936281.4), dbSNP rs1049663805, ClinGen allele CA74740735.